The following is an entry in ClinVar:

ClinVar aggregate classification (germline): Uncertain significance. Review status: criteria provided, multiple submitters, no conflicts (2 of 4 stars). 2 submissions from 2 submitters: Uncertain significance (2). Last evaluated 2025-11-26.

Conditions:
Inborn genetic diseases. Identifiers: MedGen C0950123, MeSH D030342.

Submissions (2):

Ambry Genetics
Classification: Uncertain significance for Inborn genetic diseases. Last evaluated: 2025-11-26. Review status: criteria provided, single submitter. Criteria: Ambry Variant Classification Scheme 2023. Collection method: clinical testing. Allele origin: germline.

Labcorp Genetics (formerly Invitae), Labcorp
Classification: Uncertain significance. Last evaluated: 2023-04-13. Review status: criteria provided, single submitter. Criteria: Invitae Variant Classification Sherloc (09022015). Collection method: clinical testing. Allele origin: germline.
Comment: In summary, the available evidence is currently insufficient to determine the role of this variant in disease. Therefore, it has been classified as a Variant of Uncertain Significance. Advanced modeling of protein sequence and biophysical properties (such as structural, functional, and spatial information, amino acid conservation, physicochemical variation, residue mobility, and thermodynamic stability) performed at Invitae indicates that this missense variant is not expected to disrupt CYP4F22 protein function. This missense change has been observed in individual(s) with clinical features of ichthyosis (Invitae). In at least one individual the data is consistent with being in trans (on the opposite chromosome) from a pathogenic variant. This variant is present in population databases (no rsID available, gnomAD 0.003%). This sequence change replaces glycine, which is neutral and non-polar, with tryptophan, which is neutral and slightly polar, at codon 290 of the CYP4F22 protein (p.Gly290Trp).

NM_173483.4(CYP4F22):c.868G>T (p.Gly290Trp)

Gene: CYP4F22 (cytochrome P450 family 4 subfamily F member 22; plus strand). Cytogenetic location: 19p13.12.
Variant type: single nucleotide variant.
Coding change: c.868G>T on transcript NM_173483.4 (MANE Select); coding-DNA position 868, G replaced by T.
Protein change: p.Gly290Trp; replaces glycine 290 with tryptophan.
Molecular consequence: missense variant.
Genome position (GRCh38, 1-based): chr19:15,540,646, G>T. VCF-style: chr19-15540646-G-T. GRCh37 (hg19) VCF-style: chr19-15651457-G-T.
Other names: c.868G>T (NM_173483.3); short protein forms G290W.
Identifiers: ClinVar variation 2985877 (VCV002985877.4), dbSNP rs1322668573, ClinGen allele CA404536128.